The following is an entry in ClinVar:

ClinVar aggregate classification (germline): Likely benign (0 of 4 stars; one submission).

Conditions:
RAI1-related disorder. Also called: RAI1-related condition.

Submission:

PreventionGenetics, part of Exact Sciences
Classification: Likely benign for RAI1-related condition. Last evaluated: 2020-12-04. Review status: no assertion criteria provided. Collection method: clinical testing. Allele origin: germline.
Comment: This variant is classified as likely benign based on ACMG/AMP sequence variant interpretation guidelines (Richards et al. 2015 PMID: 25741868, with internal and published modifications).

NM_030665.4(RAI1):c.5097T>C (p.Leu1699=)

Gene: RAI1 (retinoic acid induced 1; plus strand). Cytogenetic location: 17p11.2.
Variant type: single nucleotide variant.
Coding change: c.5097T>C on transcript NM_030665.4 (MANE Select); coding-DNA position 5097, T replaced by C.
Protein change: p.Leu1699=; no amino-acid change (leucine 1699 retained).
Molecular consequence: synonymous variant.
Genome position (GRCh38, 1-based): chr17:17,798,045, T>C. VCF-style: chr17-17798045-T-C. GRCh37 (hg19) VCF-style: chr17-17701359-T-C.
Identifiers: ClinVar variation 3353036 (VCV003353036.1).